The following is an entry in ClinVar:

ClinVar aggregate classification (germline): Uncertain significance (1 of 4 stars; one submission).

Submission:

Labcorp Genetics (formerly Invitae), Labcorp
Classification: Uncertain significance. Last evaluated: 2024-02-03. Review status: criteria provided, single submitter. Criteria: Invitae Variant Classification Sherloc (09022015). Collection method: clinical testing. Allele origin: germline.
Comment: This sequence change replaces methionine, which is neutral and non-polar, with threonine, which is neutral and polar, at codon 535 of the VCAN protein (p.Met535Thr). This variant is not present in population databases (gnomAD no frequency). This variant has not been reported in the literature in individuals affected with VCAN-related conditions. ClinVar contains an entry for this variant (Variation ID: 2056523). Algorithms developed to predict the effect of missense changes on protein structure and function output the following: SIFT: "Not Available"; PolyPhen-2: "Benign"; Align-GVGD: "Not Available". The threonine amino acid residue is found in multiple mammalian species, which suggests that this missense change does not adversely affect protein function. In summary, the available evidence is currently insufficient to determine the role of this variant in disease. Therefore, it has been classified as a Variant of Uncertain Significance.

NM_004385.5(VCAN):c.1604T>C (p.Met535Thr)

Gene: VCAN (versican; plus strand). Cytogenetic location: 5q14.3.
Variant type: single nucleotide variant.
Coding change: c.1604T>C on transcript NM_004385.5 (MANE Select); coding-DNA position 1604, T replaced by C.
Protein change: p.Met535Thr; replaces methionine 535 with threonine.
Molecular consequence: missense variant. On other transcripts: intron variant (2).
Genome position (GRCh38, 1-based): chr5:83,519,910, T>C. VCF-style: chr5-83519910-T-C. GRCh37 (hg19) VCF-style: chr5-82815729-T-C.
Other names: c.1604T>C, p.Met535Thr (NM_001164098.2); c.1042+7514T>C (NM_001164097.2, NM_001126336.3); short protein forms M535T.
Identifiers: ClinVar variation 2056523 (VCV002056523.4), dbSNP rs2479048601, ClinGen allele CA360301209.